The following is an entry in ClinVar:

ClinVar aggregate classification (germline): Uncertain significance. Review status: criteria provided, multiple submitters, no conflicts (2 of 4 stars). 2 submissions from 2 submitters: Uncertain significance (2). Last evaluated 2023-05-02.

Conditions:
Wilms tumor 1 (WT1). Also called: Wilms tumor, somatic. Identifiers: Orphanet 654, MedGen CN033288, MONDO:0008679, OMIM 194070.
Simpson-Golabi-Behmel syndrome type 1 (SGBS1). Also called: GPC3-Related Simpson-Golabi-Behmel Syndrome Type 1; SIMPSON DYSMORPHIA SYNDROME; BULLDOG SYNDROME; DYSPLASIA GIGANTISM SYNDROME, X-LINKED; GOLABI-ROSEN SYNDROME. Identifiers: Orphanet 373, MedGen C0796154, MONDO:0020602, OMIM 312870.

Allele frequency attached by ClinVar (database versions not stated): gnomAD exomes below 0.00001.
gnomAD v4.1: 1 of 1,192,718 alleles (0.000084%); highest among the groups gnomAD compares: Non-Finnish European, 0.00011%; no homozygotes.

Submissions (2):

Labcorp Genetics (formerly Invitae), Labcorp
Classification: Uncertain significance for Wilms tumor 1. Last evaluated: 2023-05-02. Review status: criteria provided, single submitter. Criteria: Invitae Variant Classification Sherloc (09022015). Collection method: clinical testing. Allele origin: germline.
Comment: This sequence change replaces histidine, which is basic and polar, with tyrosine, which is neutral and polar, at codon 351 of the GPC3 protein (p.His351Tyr). This variant is not present in population databases (gnomAD no frequency). This variant has not been reported in the literature in individuals affected with GPC3-related conditions. ClinVar contains an entry for this variant (Variation ID: 1000238). Advanced modeling of protein sequence and biophysical properties (such as structural, functional, and spatial information, amino acid conservation, physicochemical variation, residue mobility, and thermodynamic stability) performed at Invitae indicates that this missense variant is not expected to disrupt GPC3 protein function. In summary, the available evidence is currently insufficient to determine the role of this variant in disease. Therefore, it has been classified as a Variant of Uncertain Significance.

Fulgent Genetics
Classification: Uncertain significance for Wilms tumor 1; Simpson-Golabi-Behmel syndrome type 1. Last evaluated: 2022-03-05. Review status: criteria provided, single submitter. Criteria: ACMG Guidelines, 2015. Collection method: clinical testing. Allele origin: unknown.

NM_004484.4(GPC3):c.1051C>T (p.His351Tyr)

Gene: GPC3 (glypican 3; minus strand). Cytogenetic location: Xq26.2.
Variant type: single nucleotide variant.
Coding change: c.1051C>T on transcript NM_004484.4 (MANE Select); coding-DNA position 1051, C replaced by T.
Protein change: p.His351Tyr; replaces histidine 351 with tyrosine.
Molecular consequence: missense variant.
Genome position (GRCh38, 1-based): chrX:133,700,010, G>A on the plus strand (C>T on the coding strand, the complement: GPC3 is on the minus strand). VCF-style: chrX-133700010-G-A. GRCh37 (hg19) VCF-style: chrX-132834038-G-A.
Other names: c.1120C>T, p.His374Tyr (NM_001164617.2); c.1003C>T, p.His335Tyr (NM_001164618.2); c.889C>T, p.His297Tyr (NM_001164619.2); short protein forms H297Y, H335Y, H351Y, H374Y.
Identifiers: ClinVar variation 1000238 (VCV001000238.10), dbSNP rs2071153064, ClinGen allele CA414700157.